The following is an entry in ClinVar:

ClinVar aggregate classification (germline): Uncertain significance (1 of 4 stars; one submission).

Submission:

Labcorp Genetics (formerly Invitae), Labcorp
Classification: Uncertain significance. Last evaluated: 2023-01-31. Review status: criteria provided, single submitter. Criteria: Invitae Variant Classification Sherloc (09022015). Collection method: clinical testing. Allele origin: germline.
Comment: In summary, the available evidence is currently insufficient to determine the role of this variant in disease. Therefore, it has been classified as a Variant of Uncertain Significance. Advanced modeling of protein sequence and biophysical properties (such as structural, functional, and spatial information, amino acid conservation, physicochemical variation, residue mobility, and thermodynamic stability) performed at Invitae indicates that this missense variant is not expected to disrupt FAT1 protein function. This variant has not been reported in the literature in individuals affected with FAT1-related conditions. This variant is not present in population databases (gnomAD no frequency). This sequence change replaces tyrosine, which is neutral and polar, with serine, which is neutral and polar, at codon 3232 of the FAT1 protein (p.Tyr3232Ser).

NM_005245.4(FAT1):c.9695A>C (p.Tyr3232Ser)

Gene: FAT1 (FAT atypical cadherin 1; minus strand). Cytogenetic location: 4q35.2.
Variant type: single nucleotide variant.
Coding change: c.9695A>C on transcript NM_005245.4 (MANE Select); coding-DNA position 9695, A replaced by C.
Protein change: p.Tyr3232Ser; replaces tyrosine 3232 with serine.
Molecular consequence: missense variant.
Genome position (GRCh38, 1-based): chr4:186,611,544, T>G on the plus strand (A>C on the coding strand, the complement: FAT1 is on the minus strand). VCF-style: chr4-186611544-T-G. GRCh37 (hg19) VCF-style: chr4-187532698-T-G.
Other names: short protein forms Y3232S.
Identifiers: ClinVar variation 2833318 (VCV002833318.3), dbSNP rs2126468006, ClinGen allele CA358956325.